The following is an entry in ClinVar:

ClinVar aggregate classification (germline): Pathogenic. Review status: reviewed by expert panel (3 of 4 stars). 2 submissions from 2 submitters: Pathogenic (1). 1 of the submissions does not count toward it. Last evaluated 2017-12-15.

Conditions:
Familial cancer of breast. Also called: BREAST CANCER, FAMILIAL; Hereditary breast cancer; hereditary breast carcinoma. Identifiers: Orphanet 227535, MedGen C0346153, MONDO:0016419, OMIM 114480. Disease mechanism: loss of function.
Breast-ovarian cancer, familial, susceptibility to, 2 (BROVCA2). Also called: BRCA2 Hereditary Breast and Ovarian Cancer. Identifiers: Orphanet 145, MedGen C2675520, MONDO:0012933, OMIM 612555. Disease mechanism: loss of function.

Submissions (2):

Evidence-based Network for the Interpretation of Germline Mutant Alleles (ENIGMA)
Classification: Pathogenic for Breast-ovarian cancer, familial, susceptibility to, 2. Last evaluated: 2017-12-15. Review status: reviewed by expert panel. Criteria: ENIGMA BRCA1/2 Classification Criteria (2017-06-29). Collection method: curation. Allele origin: germline. Study: ENIGMA.
Comment: Variant allele predicted to encode a truncated non-functional protein.

ClinVar Staff, National Center for Biotechnology Information (NCBI)
No classification provided. Condition: Familial cancer of breast. Review status: no classification provided. Collection method: literature only. Allele origin: germline. Affected: yes. Not counted in ClinVar's aggregate classification.

Literature cited by the submitters: PubMed 16826315 (cited by ClinVar Staff, National Center for Biotechnology Information (NCBI)).

NM_000059.4(BRCA2):c.4917del (p.His1640fs)

Gene: BRCA2 (BRCA2 DNA repair associated; plus strand). Cytogenetic location: 13q13.1.
Variant type: Deletion.
Coding change: c.4917del on transcript NM_000059.4 (MANE Select); coding-DNA position 4917, one base deleted (A; older notation c.4917delA).
Protein change: p.His1640fs; shifts the reading frame from histidine 1640.
Molecular consequence: frameshift variant.
Genome position (GRCh38, 1-based): chr13:32,339,272, A deleted. VCF-style (leftmost placement, unchanged base first): chr13-32339271-TA-T. GRCh37 (hg19) VCF-style: chr13-32913408-TA-T.
Other names: c.4917delA (NM_000059.3); short protein forms H1640fs.
Identifiers: ClinVar variation 51739 (VCV000051739.2), dbSNP rs397507749, ClinGen allele CA021003.
Genomic context (GRCh38, chr13:32,339,271, plus strand): 5'-ATTTATGTAGACAAACTGAAAATCTCAAAACATCAAAAAGTATCTTTTTGAAAGTTAAAG[TA>T]CATGAAAATGTAGAAAAAGAAACAGCAAAAAGTCCTGCAACTTGTTACACAAATCAGTCC-3'